The following is an entry in ClinVar:

ClinVar aggregate classification (germline): Conflicting classifications of pathogenicity. Review status: criteria provided, conflicting classifications (1 of 4 stars). 6 submissions from 6 submitters: Pathogenic (2); Likely pathogenic (2); Uncertain significance (1). 1 of the submissions does not count toward it. Last evaluated 2025-08-12.

Conditions:
Lethal multiple pterygium syndrome (LMPS). Identifiers: Orphanet 33108, MedGen C1854678, MONDO:0009668, OMIM 253290.
Myasthenic syndrome, congenital, 1B, fast-channel. Also called: Fast-Channel Congenital Myasthenia Syndrome. Identifiers: Orphanet 590, MedGen C4225405, MONDO:0012156, OMIM 608930.
CHRNA1-related disorders.
CHRNA1-related disorder. Also called: CHRNA1-related condition.

Allele frequency attached by ClinVar (database versions not stated): ExAC 0.00001; TOPMed 0.00002; gnomAD 0.00003.
gnomAD v4.1: 40 of 1,613,612 alleles (0.0025%); highest among the groups gnomAD compares: East Asian, 0.0045%; no homozygotes.

Submissions (6):

GeneDx
Classification: Pathogenic. Last evaluated: 2025-08-12. Review status: criteria provided, single submitter. Criteria: GeneDx Variant Classification Process June 2021. Collection method: clinical testing. Allele origin: germline. Affected: yes.
Comment: Reported using an alternate transcript of the gene; Published functional studies demonstrate a damaging effect and show that this variant reduces AChR expression (PMID: 24121633); RNA studies demonstrate a damaging effect: aberrant splicing (PMID: 36634413); This variant is associated with the following publications: (PMID: 34426522, 30919572, 32403337, 30177536, 38818036, 38832364, 40768883, 39677241, 36634413, 24121633)

Dasa
Classification: Pathogenic. Last evaluated: 2025-04-10. Review status: criteria provided, single submitter. Criteria: DASA Assertion Criteria. Collection method: clinical testing. Allele origin: germline.
Comment: NM_001039523.3(CHRNA1):c.257G>A (p.Arg86His) is a missense variant that results in the substitution of arginine with histidine. Segregation evidence has been reported in affected families. This variant has been observed in affected individuals with related phenotype in a genotype context consistent with recessive disease (PMID: 36634413; PMID: 30177536; PMID: 32403337). Functional evidence supports a deleterious effect on the gene or gene product (PMID: 36634413; PMID: 30177536; PMID: 32403337). This variant has been recurrently observed in individuals with related phenotype (PMID: 36634413; PMID: 30177536; PMID: 32403337). Multiple computational predictions suggest no deleterious effect on the gene or gene product. The variant is present at low frequency in population datasets. Based on the available data, this variant is classified as pathogenic.

Blueprint Genetics
Classification: Likely pathogenic for CHRNA1-related disorders. Last evaluated: 2024-02-07. Review status: criteria provided, single submitter. Criteria: ACMG Guidelines, 2015. Collection method: clinical testing. Allele origin: germline. Affected: yes. Observed: 4 variant alleles.

Revvity Omics, Revvity
Classification: Likely pathogenic. Last evaluated: 2023-04-11. Review status: criteria provided, single submitter. Criteria: ACMG Guidelines, 2015. Collection method: clinical testing. Allele origin: germline.

Institute of Human Genetics, Clinical Exome/Genome Diagnostics Group, University Hospital Bonn
Classification: Uncertain significance for Lethal multiple pterygium syndrome; Myasthenic syndrome, congenital, 1B, fast-channel. Last evaluated: 2021-04-22. Review status: criteria provided, single submitter. Criteria: ACMG Guidelines, 2015. Collection method: clinical testing. Allele origin: biparental.

PreventionGenetics, part of Exact Sciences
Classification: Pathogenic for CHRNA1-related condition. Last evaluated: 2024-05-23. Review status: no assertion criteria provided. Collection method: clinical testing. Allele origin: germline. Not counted in ClinVar's aggregate classification.
Comment: The CHRNA1 c.257G>A variant is predicted to result in the amino acid substitution p.Arg86His. Of note, this is also known as c.235-323G>A with the alternative isoform, NM_000079. This variant has been reported in the homozygous or compound heterozygous state in at least thirteen different individuals with autosomal recessive CHRNA1-related disorders (Irumudomon O et al 2018. PubMed ID: 30177536; Supp. Data in Gonzalez-Quereda L et al 2020. PubMed ID: 32403337; Rodríguez Cruz PM et al 2022. PubMed ID: 36634413). Functional studies indicate that this variant results in the inclusion of an alternatively spliced evolutionary exon and results in expression of a non-functional alpha-subunit of the acetylcholine receptor (Rodríguez Cruz PM et al 2022. PubMed ID: 36634413). This variant is reported in 0.0050% of alleles in individuals of East Asian descent in gnomAD. This variant is interpreted as pathogenic for autosomal recessive CHRNA1-related disorders.

Literature cited by the submitters: PubMed 36634413 (cited by Dasa); PubMed 30177536 (cited by Dasa); PubMed 32403337 (cited by Dasa).

NM_000079.4(CHRNA1):c.235-323G>A

Gene: CHRNA1 (cholinergic receptor nicotinic alpha 1 subunit; minus strand). Cytogenetic location: 2q31.1.
Variant type: single nucleotide variant.
Coding change: c.235-323G>A on transcript NM_000079.4 (MANE Select); 323 bases into the intron before coding-DNA position 235, G replaced by A.
Molecular consequence: intron variant. On other transcripts: missense variant (1).
Genome position (GRCh38, 1-based): chr2:174,757,998, C>T on the plus strand (G>A on the coding strand, the complement: CHRNA1 is on the minus strand). VCF-style: chr2-174757998-C-T. GRCh37 (hg19) VCF-style: chr2-175622726-C-T.
Other names: c.257G>A, p.Arg86His (NM_001039523.3); c.257G>A (NM_001039523.2); short protein forms R86H.
Identifiers: ClinVar variation 421486 (VCV000421486.13), dbSNP rs750955953, ClinGen allele CA1974638.